The following is an entry in ClinVar:

ClinVar aggregate classification (germline): Pathogenic/Likely pathogenic. Review status: criteria provided, multiple submitters, no conflicts (2 of 4 stars). 2 submissions from 2 submitters: Pathogenic (1); Likely pathogenic (1). Last evaluated 2025-02-28.

Conditions:
Tuberous sclerosis 1 (TSC1). Identifiers: Orphanet 805, MedGen C1854465, MONDO:0008612, OMIM 191100.

Submissions (3):

Myriad Genetics, Inc.
Classification: Likely pathogenic for Tuberous sclerosis 1. Last evaluated: 2025-02-28. Review status: criteria provided, single submitter. Criteria: Myriad Autosomal Dominant, Autosomal Recessive and X-Linked Classification Criteria (2023). Collection method: clinical testing. Allele origin: unknown.
Comment: This variant is considered likely pathogenic. This variant occurs within a consensus splice junction and is predicted to result in abnormal mRNA splicing of either an out-of-frame exon or an in-frame exon necessary for protein stability and/or normal function.

Labcorp Genetics (formerly Invitae), Labcorp
Classification: Pathogenic for Tuberous sclerosis 1. Last evaluated: 2020-12-22. Review status: criteria provided, single submitter. Criteria: Invitae Variant Classification Sherloc (09022015). Collection method: clinical testing. Allele origin: germline.
Comment: This sequence change affects a donor splice site in intron 10 of the TSC1 gene. It is expected to disrupt RNA splicing. Variants that disrupt the donor or acceptor splice site typically lead to a loss of protein function (PMID: 16199547), and loss-of-function variants in TSC1 are known to be pathogenic (PMID: 10227394, 17304050). This variant is not present in population databases (ExAC no frequency). For these reasons, this variant has been classified as Pathogenic. Algorithms developed to predict the effect of sequence changes on RNA splicing suggest that this variant may disrupt the consensus splice site, but this prediction has not been confirmed by published transcriptional studies. Disruption of this splice site has been observed in individual(s) with tuberous sclerosis complex (PMID: 32211034, 9328481). In at least one individual the variant was observed to be de novo.

Dr. Peter K. Rogan Lab, Western University
No classification provided (evidence only). Condition: Ovarian serous cystadenocarcinoma. Review status: no classification provided. Collection method: in vitro. Allele origin: not applicable. Functional consequence: retained intron. Not counted in ClinVar's aggregate classification.

Literature cited by the submitters: PubMed 16199547 (cited by Labcorp Genetics (formerly Invitae), Labcorp); PubMed 10227394 (cited by Labcorp Genetics (formerly Invitae), Labcorp); PubMed 17304050 (cited by Labcorp Genetics (formerly Invitae), Labcorp); PubMed 32211034 (cited by Labcorp Genetics (formerly Invitae), Labcorp); PubMed 9328481 (cited by Labcorp Genetics (formerly Invitae), Labcorp).

NM_000368.5(TSC1):c.1029+1G>C

Gene: TSC1 (TSC complex subunit 1; minus strand). Cytogenetic location: 9q34.13.
Variant type: single nucleotide variant.
Coding change: c.1029+1G>C on transcript NM_000368.5 (MANE Select); the canonical splice donor site of the intron after coding-DNA position 1029, G replaced by C.
Molecular consequence: splice donor variant. On other transcripts: 5 prime UTR variant (2).
Genome position (GRCh38, 1-based): chr9:132,911,452, C>G on the plus strand (G>C on the coding strand, the complement: TSC1 is on the minus strand). VCF-style: chr9-132911452-C-G. GRCh37 (hg19) VCF-style: chr9-135786839-C-G.
Other names: c.-64G>C (NM_001406629.1, NM_001406630.1); c.666+1G>C (NM_001406620.1, NM_001406618.1, NM_001406625.1 and 10 more transcripts); c.876+1G>C (NM_001406613.1, NM_001406612.1, NM_001406610.1 and 2 more transcripts); c.78+1G>C (NM_001406627.1, NM_001406628.1, NM_001406626.1); c.1029+1G>C (NM_001406603.1, NM_001406609.1, NM_001406597.1 and 16 more transcripts).
Identifiers: ClinVar variation 1409199 (VCV001409199.10), dbSNP rs118203485, ClinGen allele CA375368379.